The following is an entry in ClinVar:

NM_001111125.3(IQSEC2):c.2525C>G (p.Ser842Cys)

Gene: IQSEC2 (IQ motif and Sec7 domain ArfGEF 2; minus strand). Cytogenetic location: Xp11.22.
Variant type: single nucleotide variant.
Coding change: c.2525C>G on transcript NM_001111125.3 (MANE Select); coding-DNA position 2525, C replaced by G.
Protein change: p.Ser842Cys; replaces serine 842 with cysteine.
Molecular consequence: missense variant.
Genome position (GRCh38, 1-based): chrX:53,248,171, G>C on the plus strand (C>G on the coding strand, the complement: IQSEC2 is on the minus strand). VCF-style: chrX-53248171-G-C. GRCh37 (hg19) VCF-style: chrX-53277353-G-C.
Other names: c.1910C>G, p.Ser637Cys (NM_015075.2); short protein forms S637C, S842C.
Identifiers: ClinVar variation 938583 (VCV000938583.10), dbSNP rs2074335826, ClinGen allele CA413157074.

ClinVar aggregate classification (germline): Uncertain significance (1 of 4 stars; one submission).

Conditions:
Intellectual developmental disorder, X-linked 1. Also called: Atkin Flaitz Patil Smith syndrome; MENTAL RETARDATION, X-LINKED 18; MENTAL RETARDATION, X-LINKED 78; Intellectual disability, X-linked 1. Identifiers: Orphanet 777, MedGen C2931498, MONDO:0010656, OMIM 309530.

Allele frequency attached by ClinVar (database versions not stated): TOPMed 0.00001.

Submission:

Labcorp Genetics (formerly Invitae), Labcorp
Classification: Uncertain significance for Intellectual developmental disorder, X-linked 1. Last evaluated: 2019-08-02. Review status: criteria provided, single submitter. Criteria: Invitae Variant Classification Sherloc (09022015). Collection method: clinical testing. Allele origin: germline.
Comment: Algorithms developed to predict the effect of missense changes on protein structure and function are either unavailable or do not agree on the potential impact of this missense change (SIFT: "Tolerated"; PolyPhen-2: "Probably Damaging"; Align-GVGD: "Class C15"). In summary, the available evidence is currently insufficient to determine the role of this variant in disease. Therefore, it has been classified as a Variant of Uncertain Significance. This variant has not been reported in the literature in individuals with IQSEC2-related conditions. This variant is not present in population databases (ExAC no frequency). This sequence change replaces serine with cysteine at codon 842 of the IQSEC2 protein (p.Ser842Cys). The serine residue is weakly conserved and there is a moderate physicochemical difference between serine and cysteine.